The following is an entry in ClinVar:

NM_130384.3(ATRIP):c.319C>A (p.Pro107Thr)

Genes: ATRIP (ATR interacting protein; plus strand), ATRIP-TREX1 (ATRIP-TREX1 readthrough; plus strand). Cytogenetic location: 3p21.31.
Variant type: single nucleotide variant.
Coding change: c.319C>A on transcript NM_130384.3 (MANE Select); coding-DNA position 319, C replaced by A.
Protein change: p.Pro107Thr; replaces proline 107 with threonine.
Molecular consequence: missense variant. On other transcripts: non-coding transcript variant (1), 5 prime UTR variant (1).
Genome position (GRCh38, 1-based): chr3:48,450,108, C>A. VCF-style: chr3-48450108-C-A. GRCh37 (hg19) VCF-style: chr3-48491514-C-A.
Other names: c.-146C>A (NM_001271022.2); c.40C>A, p.Pro14Thr (NM_001271023.2); c.319C>A, p.Pro107Thr (NM_032166.4); short protein forms P107T, P14T.
Identifiers: ClinVar variation 5032473 (VCV005032473.1).
Genomic context (GRCh38, chr3:48,450,108, plus strand): 5'-GTCCACAGATTATTAGATGGCATGTCAAAAAATCCTTCAGGGAAAAACAGAGAAACTGTT[C>A]CAATTAAAGATAATTTCGAATTAGAGGTACTTCAGGCACAATACAAAGAACTTAAAGAAA-3'
Protein context (NP_569055.1, residues 97-117): NPSGKNRETV[Pro107Thr]IKDNFELEVL

ClinVar aggregate classification (germline): Uncertain significance (1 of 4 stars; one submission).

Submission:

Ambry Genetics
Classification: Uncertain significance. Last evaluated: 2026-08-29. Review status: criteria provided, single submitter. Criteria: Ambry Variant Classification Scheme 2023. Collection method: clinical testing. Allele origin: germline.
Comment: The p.P107T variant (also known as c.319C>A), located in coding exon 2 of the ATRIP gene, results from a C to A substitution at nucleotide position 319. The proline at codon 107 is replaced by threonine, an amino acid with highly similar properties. This amino acid position is conserved. In addition, this alteration is predicted to be tolerated by in silico analysis. Based on the available evidence, the clinical significance of this variant remains unclear.